The following is an entry in ClinVar:

NM_022124.6(CDH23):c.1846G>A (p.Glu616Lys)

Gene: CDH23 (cadherin related 23; plus strand). Cytogenetic location: 10q22.1.
Variant type: single nucleotide variant.
Coding change: c.1846G>A on transcript NM_022124.6 (MANE Select); coding-DNA position 1846, G replaced by A.
Protein change: p.Glu616Lys; replaces glutamic acid 616 with lysine.
Molecular consequence: missense variant.
Genome position (GRCh38, 1-based): chr10:71,679,480, G>A. VCF-style: chr10-71679480-G-A. GRCh37 (hg19) VCF-style: chr10-73439237-G-A.
Other names: c.1846G>A, p.Glu616Lys (NM_001171930.2, NM_001171931.2); short protein forms E616K.
Identifiers: ClinVar variation 1328867 (VCV001328867.3), dbSNP rs1449510921, ClinGen allele CA377131178.
Genomic context (GRCh38, chr10:71,679,480, plus strand): 5'-ATCACCTACAGCATTGTCAGTGCATCTGCCTTTGGCAGCTACTTCGACATCAGCCTGTAC[G>A]AGGGCTATGGAGGTAGGTGTGGGGCAGAACTCGGGGCCCAGCCAGGAGGAGGGCTGGGGG-3'
Protein context (NP_071407.4, residues 606-626): FGSYFDISLY[Glu616Lys]GYGVISVSRP

ClinVar aggregate classification (germline): Uncertain significance (1 of 4 stars; one submission).

Allele frequency attached by ClinVar (database versions not stated): gnomAD exomes below 0.00001; gnomAD 0.00001.
gnomAD v4.1: 9 of 1,607,856 alleles (0.00056%); highest among the groups gnomAD compares: East Asian, 0.0022%; no homozygotes.

Submission:

GeneDx
Classification: Uncertain significance. Last evaluated: 2025-07-01. Review status: criteria provided, single submitter. Criteria: GeneDx Variant Classification Process June 2021. Collection method: clinical testing. Allele origin: germline. Affected: yes.
Comment: Not observed at significant frequency in large population cohorts (gnomAD); In silico analysis suggests that this missense variant does not alter protein structure/function; Has not been previously published as pathogenic or benign to our knowledge